The following is an entry in ClinVar:

ClinVar aggregate classification (germline): Likely benign. Review status: criteria provided, multiple submitters, no conflicts (2 of 4 stars). 3 submissions from 3 submitters: Likely benign (2). 1 of the submissions does not count toward it. Last evaluated 2023-09-08.

Conditions:
COL4A4-related disorder.

Allele frequency attached by ClinVar (database versions not stated): gnomAD exomes below 0.00001; gnomAD 0.00001; TOPMed 0.00002.
gnomAD v4.1: 5 of 1,613,334 alleles (0.00031%); highest among the groups gnomAD compares: Admixed American, 0.0017%; no homozygotes.

Submissions (3):

Labcorp Genetics (formerly Invitae), Labcorp
Classification: Likely benign. Last evaluated: 2023-09-08. Review status: criteria provided, single submitter. Criteria: Invitae Variant Classification Sherloc (09022015). Collection method: clinical testing. Allele origin: germline.

Blueprint Genetics
Classification: Likely benign. Last evaluated: 2023-05-08. Review status: criteria provided, single submitter. Criteria: ACMG Guidelines, 2015. Collection method: clinical testing. Allele origin: germline.

PreventionGenetics, part of Exact Sciences
Classification: Likely benign for COL4A4-related condition. Last evaluated: 2023-07-13. Review status: no assertion criteria provided. Collection method: clinical testing. Allele origin: germline. Not counted in ClinVar's aggregate classification.
Comment: This variant is classified as likely benign based on ACMG/AMP sequence variant interpretation guidelines (Richards et al. 2015 PMID: 25741868, with internal and published modifications).

NM_000092.5(COL4A4):c.2717-6C>T

Gene: COL4A4 (collagen type IV alpha 4 chain; minus strand). Cytogenetic location: 2q36.3.
Variant type: single nucleotide variant.
Coding change: c.2717-6C>T on transcript NM_000092.5 (MANE Select); 6 bases into the intron before coding-DNA position 2717, C replaced by T.
Molecular consequence: intron variant.
Genome position (GRCh38, 1-based): chr2:227,054,743, G>A on the plus strand (C>T on the coding strand, the complement: COL4A4 is on the minus strand). VCF-style: chr2-227054743-G-A. GRCh37 (hg19) VCF-style: chr2-227919459-G-A.
Other names: c.2717-6C>T (NM_000092.4).
Identifiers: ClinVar variation 1132827 (VCV001132827.12), dbSNP rs1178831425, ClinGen allele CA765667412.